The following is an entry in ClinVar:

NM_006206.6(PDGFRA):c.3106A>G (p.Lys1036Glu)

Gene: PDGFRA (platelet derived growth factor receptor alpha; plus strand). Cytogenetic location: 4q12.
Variant type: single nucleotide variant.
Coding change: c.3106A>G on transcript NM_006206.6 (MANE Select); coding-DNA position 3106, A replaced by G.
Protein change: p.Lys1036Glu; replaces lysine 1036 with glutamic acid.
Molecular consequence: missense variant.
Genome position (GRCh38, 1-based): chr4:54,290,538, A>G. VCF-style: chr4-54290538-A-G. GRCh37 (hg19) VCF-style: chr4-55156705-A-G.
Other names: c.3181A>G, p.Lys1061Glu (NM_001347828.2); c.3106A>G, p.Lys1036Glu (NM_001347829.2); c.3145A>G, p.Lys1049Glu (NM_001347830.2); short protein forms K1036E, K1061E, K1049E.
Identifiers: ClinVar variation 1362168 (VCV001362168.8), dbSNP rs1560493275, ClinGen allele CA356896389.

ClinVar aggregate classification (germline): Uncertain significance (1 of 4 stars; one submission).

Conditions:
Gastrointestinal stromal tumor. Also called: Gastrointestinal stroma tumor; Gastrointestinal stromal tumor, somatic. Identifiers: Orphanet 44890, MedGen C0238198, MeSH D046152, MONDO:0011719, OMIM 606764, HP:0100723.

Allele frequency attached by ClinVar (database versions not stated): gnomAD exomes below 0.00001.
gnomAD v4.1: 1 of 1,614,200 alleles (0.000062%); highest among the groups gnomAD compares: Non-Finnish European, 0.000085%; no homozygotes.

Submission:

Labcorp Genetics (formerly Invitae), Labcorp
Classification: Uncertain significance for Gastrointestinal stromal tumor. Last evaluated: 2024-11-10. Review status: criteria provided, single submitter. Criteria: Invitae Variant Classification Sherloc (09022015). Collection method: clinical testing. Allele origin: germline.
Comment: This sequence change replaces lysine, which is basic and polar, with glutamic acid, which is acidic and polar, at codon 1036 of the PDGFRA protein (p.Lys1036Glu). This variant is not present in population databases (gnomAD no frequency). This variant has not been reported in the literature in individuals affected with PDGFRA-related conditions. ClinVar contains an entry for this variant (Variation ID: 1362168). Invitae Evidence Modeling of protein sequence and biophysical properties (such as structural, functional, and spatial information, amino acid conservation, physicochemical variation, residue mobility, and thermodynamic stability) indicates that this missense variant is not expected to disrupt PDGFRA protein function with a negative predictive value of 80%. In summary, the available evidence is currently insufficient to determine the role of this variant in disease. Therefore, it has been classified as a Variant of Uncertain Significance.